The following is an entry in ClinVar:

NM_020937.4(FANCM):c.4949A>T (p.Lys1650Ile)

Gene: FANCM (FA complementation group M; plus strand). Cytogenetic location: 14q21.2.
Variant type: single nucleotide variant.
Coding change: c.4949A>T on transcript NM_020937.4 (MANE Select); coding-DNA position 4949, A replaced by T.
Protein change: p.Lys1650Ile; replaces lysine 1650 with isoleucine.
Molecular consequence: missense variant.
Genome position (GRCh38, 1-based): chr14:45,188,971, A>T. VCF-style: chr14-45188971-A-T. GRCh37 (hg19) VCF-style: chr14-45658174-A-T.
Other names: c.4871A>T, p.Lys1624Ile (NM_001308133.2); short protein forms K1624I, K1650I.
Identifiers: ClinVar variation 858448 (VCV000858448.10), dbSNP rs140993629, ClinGen allele CA259635730.
Genomic context (GRCh38, chr14:45,188,971, plus strand): 5'-TAACTGATGATTGCTTTGCAAATAGTAAAAAGTATAAAACTCGACGTGCAGTAATGCTAA[A>T]AGAAATGATGGAACAAAATTGTGCACATTCAAAAAAGAAATTATCCAGAATTATTTTACC-3'
Protein context (NP_065988.1, residues 1640-1660): KYKTRRAVML[Lys1650Ile]EMMEQNCAHS

ClinVar aggregate classification (germline): Uncertain significance. Review status: criteria provided, multiple submitters, no conflicts (2 of 4 stars). 2 submissions from 2 submitters: Uncertain significance (2). Last evaluated 2025-07-24.

Conditions:
Fanconi anemia (FA). Also called: Fanconi's anemia. Identifiers: Orphanet 84, MedGen C0015625, MeSH D005199, MONDO:0019391.

Allele frequency attached by ClinVar (database versions not stated): gnomAD exomes 0.00001; gnomAD 0.00002; TOPMed 0.00002; ESP Exome Variant Server 0.00008.
gnomAD v4.1: 6 of 1,613,996 alleles (0.00037%); highest among the groups gnomAD compares: African/African-American, 0.0013%; no homozygotes.

Submissions (2):

Labcorp Genetics (formerly Invitae), Labcorp
Classification: Uncertain significance for Fanconi anemia. Last evaluated: 2025-07-24. Review status: criteria provided, single submitter. Criteria: Invitae Variant Classification Sherloc (09022015). Collection method: clinical testing. Allele origin: germline.
Comment: This sequence change replaces lysine, which is basic and polar, with isoleucine, which is neutral and non-polar, at codon 1650 of the FANCM protein (p.Lys1650Ile). This variant is present in population databases (rs140993629, gnomAD 0.004%). This variant has not been reported in the literature in individuals affected with FANCM-related conditions. ClinVar contains an entry for this variant (Variation ID: 858448). An algorithm developed to predict the effect of missense changes on protein structure and function (PolyPhen-2) suggests that this variant is likely to be disruptive. In summary, the available evidence is currently insufficient to determine the role of this variant in disease. Therefore, it has been classified as a Variant of Uncertain Significance.

GeneDx
Classification: Uncertain significance. Last evaluated: 2022-10-28. Review status: criteria provided, single submitter. Criteria: GeneDx Variant Classification Process June 2021. Collection method: clinical testing. Allele origin: germline. Affected: yes.
Comment: Not observed at significant frequency in large population cohorts (gnomAD); In silico analysis supports that this missense variant has a deleterious effect on protein structure/function; Has not been previously published as pathogenic or benign to our knowledge; This variant is associated with the following publications: (PMID: 32055024)